The following is an entry in ClinVar:

ClinVar aggregate classification (germline): Uncertain significance. Review status: criteria provided, multiple submitters, no conflicts (2 of 4 stars). 3 submissions from 3 submitters: Uncertain significance (3). Last evaluated 2025-09-10.

Conditions:
Multiple endocrine neoplasia, type 2 (MEN2). Identifiers: Orphanet 653, MedGen C4048306, MONDO:0019003. Disease mechanism: gain of function.
Hereditary cancer-predisposing syndrome. Also called: Neoplastic Syndromes, Hereditary; Tumor predisposition; Hereditary Cancer Syndrome; Hereditary neoplastic syndrome. Identifiers: Orphanet 140162, MedGen C0027672, MeSH D009386, MONDO:0015356.

Allele frequency attached by ClinVar (database versions not stated): gnomAD exomes below 0.00001; TOPMed below 0.00001; gnomAD 0.00001.
gnomAD v4.1: 2 of 1,613,678 alleles (0.00012%); highest among the groups gnomAD compares: Non-Finnish European, 0.00017%; no homozygotes.

Submissions (3):

Labcorp Genetics (formerly Invitae), Labcorp
Classification: Uncertain significance for Multiple endocrine neoplasia, type 2. Last evaluated: 2025-09-10. Review status: criteria provided, single submitter. Criteria: Invitae Variant Classification Sherloc (09022015). Collection method: clinical testing. Allele origin: germline.
Comment: This sequence change replaces aspartic acid, which is acidic and polar, with asparagine, which is neutral and polar, at codon 1014 of the RET protein (p.Asp1014Asn). This variant is not present in population databases (gnomAD no frequency). This variant has not been reported in the literature in individuals affected with RET-related conditions. ClinVar contains an entry for this variant (Variation ID: 648907). An algorithm developed to predict the effect of missense changes on protein structure and function (PolyPhen-2) suggests that this variant is likely to be disruptive. In summary, the available evidence is currently insufficient to determine the role of this variant in disease. Therefore, it has been classified as a Variant of Uncertain Significance.

Ambry Genetics
Classification: Uncertain significance for Hereditary cancer-predisposing syndrome. Last evaluated: 2024-08-17. Review status: criteria provided, single submitter. Criteria: Ambry Variant Classification Scheme 2023. Collection method: clinical testing. Allele origin: germline.
Comment: The p.D1014N variant (also known as c.3040G>A) is located in coding exon 19 of the RET gene. The aspartic acid at codon 1014 is replaced by asparagine, an amino acid with highly similar properties. This change occurs in the first base pair of coding exon 19. This amino acid position is highly conserved in available vertebrate species. In addition, this alteration is predicted to be tolerated by in silico analysis. Since supporting evidence is limited at this time, the clinical significance of this alteration remains unclear.

All of Us Research Program, National Institutes of Health
Classification: Uncertain significance for Multiple endocrine neoplasia, type 2. Last evaluated: 2023-03-23. Review status: criteria provided, single submitter. Criteria: ACMG Guidelines, 2015. Collection method: clinical testing. Allele origin: germline. Inheritance: Autosomal dominant inheritance. Observed: 1 variant allele, 1 heterozygote.
Comment: This missense variant replaces aspartic acid with asparagine at codon 1014 of the RET protein. Computational prediction suggests that this variant may not impact protein structure and function (internally defined REVEL score threshold <= 0.5, PMID: 27666373). To our knowledge, functional studies have not been reported for this variant. This variant has not been reported in individuals affected with hereditary cancer in the literature. This variant has not been identified in the general population by the Genome Aggregation Database (gnomAD). The available evidence is insufficient to determine the role of this variant in disease conclusively. Therefore, this variant is classified as a Variant of Uncertain Significance.

This study involves interpretation of variants in research participants for the purpose of population health screening. Participant phenotype was not available at the time of variant classification. Additional details can be found in publication PMID: 35346344, PMCID: PMC8962531

NM_020975.6(RET):c.3040G>A (p.Asp1014Asn)

Gene: RET (ret proto-oncogene; plus strand). Cytogenetic location: 10q11.21.
Variant type: single nucleotide variant.
Coding change: c.3040G>A on transcript NM_020975.6 (MANE Select); coding-DNA position 3040, G replaced by A.
Protein change: p.Asp1014Asn; replaces aspartic acid 1014 with asparagine.
Molecular consequence: missense variant.
Genome position (GRCh38, 1-based): chr10:43,126,575, G>A. VCF-style: chr10-43126575-G-A. GRCh37 (hg19) VCF-style: chr10-43622023-G-A.
Other names: c.3040G>A, p.Asp1014Asn (NM_000323.2, NM_001406743.1, NM_001406744.1 and 4 more transcripts); c.2278G>A, p.Asp760Asn (NM_001355216.2); c.2911G>A, p.Asp971Asn (NM_001406761.1, NM_001406762.1, NM_001406764.1); c.2905G>A, p.Asp969Asn (NM_001406763.1, NM_001406765.1); c.2752G>A, p.Asp918Asn (NM_001406766.1, NM_001406767.1, NM_001406770.1); c.2776G>A, p.Asp926Asn (NM_001406768.1); c.2644G>A, p.Asp882Asn (NM_001406769.1, NM_001406772.1); c.2602G>A, p.Asp868Asn (NM_001406771.1, NM_001406773.1); and 10 more; short protein forms D1014N, D760N, D579N, D675N, D926N, D969N, D531N, D672N.
Identifiers: ClinVar variation 648907 (VCV000648907.14), dbSNP rs1371047639, ClinGen allele CA376558264.